The following is an entry in ClinVar:

NM_206933.4(USH2A):c.418C>T (p.Pro140Ser)

Gene: USH2A (usherin; minus strand). Cytogenetic location: 1q41.
Variant type: single nucleotide variant.
Coding change: c.418C>T on transcript NM_206933.4 (MANE Select); coding-DNA position 418, C replaced by T.
Protein change: p.Pro140Ser; replaces proline 140 with serine.
Molecular consequence: missense variant.
Genome position (GRCh38, 1-based): chr1:216,421,919, G>A on the plus strand (C>T on the coding strand, the complement: USH2A is on the minus strand). VCF-style: chr1-216421919-G-A. GRCh37 (hg19) VCF-style: chr1-216595261-G-A.
Other names: c.418C>T, p.Pro140Ser (NM_007123.6); short protein forms P140S.
Identifiers: ClinVar variation 2581858 (VCV002581858.1), dbSNP rs765098958, ClinGen allele CA344903878.

ClinVar aggregate classification (germline): Uncertain significance (1 of 4 stars; one submission).

Allele frequency attached by ClinVar (database versions not stated): TOPMed below 0.00001; gnomAD 0.00001.
gnomAD v4.1: 1 of 1,613,810 alleles (0.000062%); highest among the groups gnomAD compares: African/African-American, 0.0013%; no homozygotes.

Submission:

GeneDx
Classification: Uncertain significance. Last evaluated: 2023-03-31. Review status: criteria provided, single submitter. Criteria: GeneDx Variant Classification Process June 2021. Collection method: clinical testing. Allele origin: germline. Affected: yes.
Comment: Not observed at significant frequency in large population cohorts (gnomAD); In silico analysis supports that this missense variant does not alter protein structure/function; Has not been previously published as pathogenic or benign to our knowledge